The following is an entry in ClinVar:

NM_000038.6(APC):c.1718T>G (p.Met573Arg)

Gene: APC (APC regulator of Wnt signaling pathway; plus strand). Cytogenetic location: 5q22.2.
Variant type: single nucleotide variant.
Coding change: c.1718T>G on transcript NM_000038.6 (MANE Select); coding-DNA position 1718, T replaced by G.
Protein change: p.Met573Arg; replaces methionine 573 with arginine.
Molecular consequence: missense variant.
Genome position (GRCh38, 1-based): chr5:112,828,947, T>G. VCF-style: chr5-112828947-T-G. GRCh37 (hg19) VCF-style: chr5-112164644-T-G.
Other names: c.1718T>G, p.Met573Arg (NM_001127510.3, NM_001354895.2, NM_001407450.1); c.1664T>G, p.Met555Arg (NM_001127511.3); c.1772T>G, p.Met591Arg (NM_001354896.2, NM_001407447.1, NM_001407448.1 and 1 more transcripts); c.1748T>G, p.Met583Arg (NM_001354897.2); c.1643T>G, p.Met548Arg (NM_001354898.2); c.1634T>G, p.Met545Arg (NM_001354899.2); c.1595T>G, p.Met532Arg (NM_001354900.2); c.1541T>G, p.Met514Arg (NM_001354901.2, NM_001407453.1); and 11 more; short protein forms M189R, M290R, M444R, M548R, M413R, M447R, M472R, M490R.
Identifiers: ClinVar variation 2566952 (VCV002566952.4), dbSNP rs2149818182, ClinGen allele CA16025063.
Genomic context (GRCh38, chr5:112,828,947, plus strand): 5'-GGCGAGCAGATGTAAATAGTAAAAAGACGTTGCGAGAAGTTGGAAGTGTGAAAGCATTGA[T>G]GGAATGTGCTTTAGAAGTTAAAAAGGTACCTTTGAAAACATTTAGTACTATAATATGAAT-3'
Protein context (NP_000029.2, residues 563-583): LREVGSVKAL[Met573Arg]ECALEVKKES

ClinVar aggregate classification (germline): Uncertain significance. Review status: criteria provided, multiple submitters, no conflicts (2 of 4 stars). 2 submissions from 2 submitters: Uncertain significance (2). Last evaluated 2024-12-16.

Conditions:
Hereditary cancer-predisposing syndrome. Also called: Hereditary neoplastic syndrome; Hereditary Cancer Syndrome; Neoplastic Syndromes, Hereditary; Tumor predisposition. Identifiers: Orphanet 140162, MedGen C0027672, MeSH D009386, MONDO:0015356.
Familial adenomatous polyposis 1 (FAP1). Also called: POLYPOSIS, ADENOMATOUS INTESTINAL; FAMILIAL ADENOMATOUS POLYPOSIS 1, ATTENUATED. Identifiers: MedGen C2713442, MONDO:0021056, OMIM 175100. Disease mechanism: loss of function.

Submissions (2):

Labcorp Genetics (formerly Invitae), Labcorp
Classification: Uncertain significance for Familial adenomatous polyposis 1. Last evaluated: 2024-12-16. Review status: criteria provided, single submitter. Criteria: Invitae Variant Classification Sherloc (09022015). Collection method: clinical testing. Allele origin: germline.
Comment: This sequence change replaces methionine, which is neutral and non-polar, with arginine, which is basic and polar, at codon 573 of the APC protein (p.Met573Arg). This variant is not present in population databases (gnomAD no frequency). This variant has not been reported in the literature in individuals affected with APC-related conditions. ClinVar contains an entry for this variant (Variation ID: 2566952). Invitae Evidence Modeling of protein sequence and biophysical properties (such as structural, functional, and spatial information, amino acid conservation, physicochemical variation, residue mobility, and thermodynamic stability) indicates that this missense variant is not expected to disrupt APC protein function with a negative predictive value of 95%. In summary, the available evidence is currently insufficient to determine the role of this variant in disease. Therefore, it has been classified as a Variant of Uncertain Significance.

Ambry Genetics
Classification: Uncertain significance for Hereditary cancer-predisposing syndrome. Last evaluated: 2023-04-03. Review status: criteria provided, single submitter. Criteria: Ambry Variant Classification Scheme 2023. Collection method: clinical testing. Allele origin: germline.
Comment: The p.M573R variant (also known as c.1718T>G), located in coding exon 13 of the APC gene, results from a T to G substitution at nucleotide position 1718. The methionine at codon 573 is replaced by arginine, an amino acid with similar properties. This amino acid position is conserved. In addition, in silico predictors for this gene do not accurately predict pathogenicity. Since supporting evidence is limited at this time, the clinical significance of this alteration remains unclear.